The following is an entry in ClinVar:

ClinVar aggregate classification (germline): Uncertain significance (1 of 4 stars; one submission).

Conditions:
Inborn genetic diseases. Identifiers: MedGen C0950123, MeSH D030342.

Submission:

Ambry Genetics
Classification: Uncertain significance for Inborn genetic diseases. Last evaluated: 2025-07-18. Review status: criteria provided, single submitter. Criteria: Ambry Variant Classification Scheme 2023. Collection method: clinical testing. Allele origin: germline.
Comment: The p.E1755A variant (also known as c.5264A>C), located in coding exon 20 of the FANCM gene, results from an A to C substitution at nucleotide position 5264. The glutamic acid at codon 1755 is replaced by alanine, an amino acid with dissimilar properties. This amino acid position is conserved. In addition, this alteration is predicted to be tolerated by in silico analysis. Based on the available evidence, the clinical significance of this variant remains unclear.

NM_020937.4(FANCM):c.5264A>C (p.Glu1755Ala)

Gene: FANCM (FA complementation group M; plus strand). Cytogenetic location: 14q21.2.
Variant type: single nucleotide variant.
Coding change: c.5264A>C on transcript NM_020937.4 (MANE Select); coding-DNA position 5264, A replaced by C.
Protein change: p.Glu1755Ala; replaces glutamic acid 1755 with alanine.
Molecular consequence: missense variant.
Genome position (GRCh38, 1-based): chr14:45,189,286, A>C. VCF-style: chr14-45189286-A-C. GRCh37 (hg19) VCF-style: chr14-45658489-A-C.
Other names: c.5186A>C, p.Glu1729Ala (NM_001308133.2); short protein forms E1729A, E1755A.
Identifiers: ClinVar variation 4254601 (VCV004254601.1).
Genomic context (GRCh38, chr14:45,189,286, plus strand): 5'-CGCTGAATTTAAAGGATACAATTTCCGAAGTCTCAGACTTCAAACCTCAGAATCATAATG[A>C]AGTCCAGTCTACCACACCACCCTTCACTACTGTTGATTCACAGAAAGACTGTAGAAAATT-3'
Protein context (NP_065988.1, residues 1745-1765): VSDFKPQNHN[Glu1755Ala]VQSTTPPFTT